The following is an entry in ClinVar:

ClinVar aggregate classification (germline): Uncertain significance. Review status: criteria provided, multiple submitters, no conflicts (2 of 4 stars). 3 submissions from 3 submitters: Uncertain significance (3). Last evaluated 2024-01-25.

Conditions:
Hereditary cancer-predisposing syndrome. Also called: Hereditary neoplastic syndrome; Neoplastic Syndromes, Hereditary; Tumor predisposition; Hereditary Cancer Syndrome. Identifiers: Orphanet 140162, MedGen C0027672, MeSH D009386, MONDO:0015356.

gnomAD v4.1: 3 of 1,613,968 alleles (0.00019%); highest among the groups gnomAD compares: African/African-American, 0.0013%; no homozygotes.

Submissions (3):

Ambry Genetics
Classification: Uncertain significance for Hereditary cancer-predisposing syndrome. Last evaluated: 2024-01-25. Review status: criteria provided, single submitter. Criteria: Ambry Variant Classification Scheme 2023. Collection method: clinical testing. Allele origin: germline.
Comment: The p.R188P variant (also known as c.563G>C), located in coding exon 3 of the XRCC2 gene, results from a G to C substitution at nucleotide position 563. The arginine at codon 188 is replaced by proline, an amino acid with dissimilar properties. This amino acid position is not well conserved in available vertebrate species. In addition, the in silico prediction for this alteration is inconclusive. Since supporting evidence is limited at this time, the clinical significance of this alteration remains unclear.

Quest Diagnostics Nichols Institute San Juan Capistrano
Classification: Uncertain significance. Last evaluated: 2023-03-17. Review status: criteria provided, single submitter. Criteria: Quest Diagnostics criteria. Collection method: clinical testing. Allele origin: unknown.
Comment: The frequency of this variant in the general population, 0.000004 (1/251360 chromosomes), is uninformative in assessment of its pathogenicity. In the published literature, the variant has been reported in an individual with breast cancer (PMID: 33471991 (2021)). Analysis of this variant using bioinformatics tools for the prediction of the effect of amino acid changes on protein structure and function yielded predictions that this variant is benign. Based on the available information, we are unable to determine the clinical significance of this variant.

Labcorp Genetics (formerly Invitae), Labcorp
Classification: Uncertain significance. Last evaluated: 2022-03-21. Review status: criteria provided, single submitter. Criteria: Invitae Variant Classification Sherloc (09022015). Collection method: clinical testing. Allele origin: germline.
Comment: In summary, the available evidence is currently insufficient to determine the role of this variant in disease. Therefore, it has been classified as a Variant of Uncertain Significance. Algorithms developed to predict the effect of missense changes on protein structure and function are either unavailable or do not agree on the potential impact of this missense change (SIFT: "Deleterious"; PolyPhen-2: "Possibly Damaging"; Align-GVGD: "Class C15"). ClinVar contains an entry for this variant (Variation ID: 946652). This variant has not been reported in the literature in individuals affected with XRCC2-related conditions. This variant is present in population databases (no rsID available, gnomAD 0.007%). This sequence change replaces arginine, which is basic and polar, with proline, which is neutral and non-polar, at codon 188 of the XRCC2 protein (p.Arg188Pro).

Literature cited by the submitters: PubMed 33471991 (cited by Quest Diagnostics Nichols Institute San Juan Capistrano).

NM_005431.2(XRCC2):c.563G>C (p.Arg188Pro)

Gene: XRCC2 (X-ray repair cross complementing 2; minus strand). Cytogenetic location: 7q36.1.
Variant type: single nucleotide variant.
Coding change: c.563G>C on transcript NM_005431.2 (MANE Select); coding-DNA position 563, G replaced by C.
Protein change: p.Arg188Pro; replaces arginine 188 with proline.
Molecular consequence: missense variant.
Genome position (GRCh38, 1-based): chr7:152,648,922, C>G on the plus strand (G>C on the coding strand, the complement: XRCC2 is on the minus strand). VCF-style: chr7-152648922-C-G. GRCh37 (hg19) VCF-style: chr7-152346007-C-G.
Other names: short protein forms R188P.
Identifiers: ClinVar variation 946652 (VCV000946652.11), dbSNP rs3218536, ClinGen allele CA370198419.